The following is an entry in ClinVar:

ClinVar aggregate classification (germline): Uncertain significance. Review status: criteria provided, multiple submitters, no conflicts (2 of 4 stars). 2 submissions from 2 submitters: Uncertain significance (2). Last evaluated 2024-09-11.

Conditions:
Cardiovascular phenotype. Identifiers: MedGen CN230736.
Hypertrophic cardiomyopathy. Also called: HYPERTROPHIC MYOCARDIOPATHY. Identifiers: Orphanet 217569, MedGen C0007194, MeSH D002312, MONDO:0005045, HP:0001639.

gnomAD v4.1: 10 of 1,613,830 alleles (0.00062%); highest among the groups gnomAD compares: South Asian, 0.0011%; no homozygotes.

Submissions (2):

Labcorp Genetics (formerly Invitae), Labcorp
Classification: Uncertain significance for Hypertrophic cardiomyopathy. Last evaluated: 2024-09-11. Review status: criteria provided, single submitter. Criteria: Invitae Variant Classification Sherloc (09022015). Collection method: clinical testing. Allele origin: germline.
Comment: This sequence change falls in intron 5 of the MYOZ2 gene. It does not directly change the encoded amino acid sequence of the MYOZ2 protein. It affects a nucleotide within the consensus splice site. This variant is not present in population databases (gnomAD no frequency). This variant has not been reported in the literature in individuals affected with MYOZ2-related conditions. Variants that disrupt the consensus splice site are a relatively common cause of aberrant splicing (PMID: 17576681, 9536098). Algorithms developed to predict the effect of sequence changes on RNA splicing suggest that this variant may disrupt the consensus splice site. In summary, the available evidence is currently insufficient to determine the role of this variant in disease. Therefore, it has been classified as a Variant of Uncertain Significance.

Ambry Genetics
Classification: Uncertain significance for Cardiovascular phenotype. Last evaluated: 2024-06-27. Review status: criteria provided, single submitter. Criteria: Ambry Variant Classification Scheme 2023. Collection method: clinical testing. Allele origin: germline.
Comment: The c.560+2T>C intronic variant results from a T to C substitution two nucleotides after coding exon 4 in the MYOZ2 gene. This nucleotide position is highly conserved in available vertebrate species. In silico splice site analysis predicts that this alteration will weaken the native splice donor site. Alterations that disrupt the canonical splice site are expected to cause aberrant splicing, resulting in an abnormal protein or a transcript that is subject to nonsense-mediated mRNA decay. However, loss of function of MYOZ2 has not been established as a mechanism of disease. The evidence for this gene-disease relationship is limited; therefore, the clinical significance of this alteration is unclear.

Literature cited by the submitters: PubMed 17576681 (cited by Labcorp Genetics (formerly Invitae), Labcorp); PubMed 9536098 (cited by Labcorp Genetics (formerly Invitae), Labcorp).

NM_016599.5(MYOZ2):c.560+2T>C

Gene: MYOZ2 (myozenin 2; plus strand). Cytogenetic location: 4q26.
Variant type: single nucleotide variant.
Coding change: c.560+2T>C on transcript NM_016599.5 (MANE Select); the canonical splice donor site of the intron after coding-DNA position 560, T replaced by C.
Molecular consequence: splice donor variant.
Genome position (GRCh38, 1-based): chr4:119,164,396, T>C. VCF-style: chr4-119164396-T-C. GRCh37 (hg19) VCF-style: chr4-120085551-T-C.
Identifiers: ClinVar variation 3401993 (VCV003401993.3).